The following is an entry in ClinVar:

ClinVar aggregate classification (germline): Uncertain significance (1 of 4 stars; one submission).

gnomAD v4.1: 2 of 1,613,308 alleles (0.00012%); highest among the groups gnomAD compares: African/African-American, 0.0013%; no homozygotes.

Submission:

Labcorp Genetics (formerly Invitae), Labcorp
Classification: Uncertain significance. Last evaluated: 2022-10-01. Review status: criteria provided, single submitter. Criteria: Invitae Variant Classification Sherloc (09022015). Collection method: clinical testing. Allele origin: germline.
Comment: In summary, the available evidence is currently insufficient to determine the role of this variant in disease. Therefore, it has been classified as a Variant of Uncertain Significance. Advanced modeling of protein sequence and biophysical properties (such as structural, functional, and spatial information, amino acid conservation, physicochemical variation, residue mobility, and thermodynamic stability) performed at Invitae indicates that this missense variant is not expected to disrupt MCM5 protein function. This variant has not been reported in the literature in individuals affected with MCM5-related conditions. This variant is not present in population databases (gnomAD no frequency). This sequence change replaces methionine, which is neutral and non-polar, with threonine, which is neutral and polar, at codon 589 of the MCM5 protein (p.Met589Thr).

NM_006739.4(MCM5):c.1766T>C (p.Met589Thr)

Gene: MCM5 (minichromosome maintenance complex component 5; plus strand). Cytogenetic location: 22q12.3.
Variant type: single nucleotide variant.
Coding change: c.1766T>C on transcript NM_006739.4 (MANE Select); coding-DNA position 1766, T replaced by C.
Protein change: p.Met589Thr; replaces methionine 589 with threonine.
Molecular consequence: missense variant.
Genome position (GRCh38, 1-based): chr22:35,419,946, T>C. VCF-style: chr22-35419946-T-C. GRCh37 (hg19) VCF-style: chr22-35815939-T-C.
Other names: short protein forms M589T.
Identifiers: ClinVar variation 1971118 (VCV001971118.5), dbSNP rs2517906519, ClinGen allele CA411349583.
Genomic context (GRCh38, chr22:35,419,946, plus strand): 5'-AGTGTGGCCCCCGGCTGTCAGCAGAGGCTGCAGAGAAACTGAAGAACCGCTACATCATCA[T>C]GCGGAGCGGGGCCCGTCAGCACGAGAGGGACAGTGACCGCCGCTCCAGCATCCCCATCAC-3'
Protein context (NP_006730.2, residues 579-599): AEKLKNRYII[Met589Thr]RSGARQHERD